The following is an entry in ClinVar:

ClinVar aggregate classification (germline): Conflicting classifications of pathogenicity. Review status: criteria provided, conflicting classifications (1 of 4 stars). 3 submissions from 3 submitters: Uncertain significance (2); Likely benign (1). Last evaluated 2025-06-17.

Conditions:
Hereditary cancer-predisposing syndrome. Also called: Neoplastic Syndromes, Hereditary; Hereditary Cancer Syndrome; Tumor predisposition; Hereditary neoplastic syndrome. Identifiers: Orphanet 140162, MedGen C0027672, MeSH D009386, MONDO:0015356.
Hereditary breast ovarian cancer syndrome. Also called: Hereditary breast and ovarian cancer syndrome (HBOC); Hereditary breast and ovarian cancer; Breast and ovarian cancer; BRCA1- and BRCA2-Associated Hereditary Breast and Ovarian Cancer; Hereditary breast and ovarian cancer syndrome; Hereditary breast and/or ovarian cancer syndrome. Identifiers: Orphanet 145, MedGen C0677776, MeSH D061325, MONDO:0003582. Disease mechanism: loss of function.

Submissions (3):

Labcorp Genetics (formerly Invitae), Labcorp
Classification: Uncertain significance for Hereditary breast ovarian cancer syndrome. Last evaluated: 2025-06-17. Review status: criteria provided, single submitter. Criteria: Invitae Variant Classification Sherloc (09022015). Collection method: clinical testing. Allele origin: germline.
Comment: This sequence change replaces glycine, which is neutral and non-polar, with aspartic acid, which is acidic and polar, at codon 500 of the BRCA2 protein (p.Gly500Asp). This variant is not present in population databases (gnomAD no frequency). This variant has not been reported in the literature in individuals affected with BRCA2-related conditions. ClinVar contains an entry for this variant (Variation ID: 943149). Invitae Evidence Modeling of protein sequence and biophysical properties (such as structural, functional, and spatial information, amino acid conservation, physicochemical variation, residue mobility, and thermodynamic stability) indicates that this missense variant is not expected to disrupt BRCA2 protein function with a negative predictive value of 95%. In summary, the available evidence is currently insufficient to determine the role of this variant in disease. Therefore, it has been classified as a Variant of Uncertain Significance.

University of Washington Department of Laboratory Medicine, University of Washington
Classification: Likely benign for Hereditary cancer-predisposing syndrome. Last evaluated: 2023-03-23. Review status: criteria provided, single submitter. Criteria: Dines et al. (Genet Med. 2020). Collection method: curation. Allele origin: germline.
Comment: Missense variant in a coldspot region where missense variants are very unlikely to be pathogenic (PMID:31911673).

BRCA2 exon 10 coldspot. Reclassification based on statistical prior probability.

Ambry Genetics
Classification: Uncertain significance for Hereditary cancer-predisposing syndrome. Last evaluated: 2021-10-28. Review status: criteria provided, single submitter. Criteria: Ambry Variant Classification Scheme 2023. Collection method: clinical testing. Allele origin: germline.
Comment: The p.G500D variant (also known as c.1499G>A), located in coding exon 9 of the BRCA2 gene, results from a G to A substitution at nucleotide position 1499. The glycine at codon 500 is replaced by aspartic acid, an amino acid with similar properties. This amino acid position is not well conserved in available vertebrate species. In addition, this alteration is predicted to be tolerated by in silico analysis. Since supporting evidence is limited at this time, the clinical significance of this alteration remains unclear.

NM_000059.4(BRCA2):c.1499G>A (p.Gly500Asp)

Gene: BRCA2 (BRCA2 DNA repair associated; plus strand). Cytogenetic location: 13q13.1.
Variant type: single nucleotide variant.
Coding change: c.1499G>A on transcript NM_000059.4 (MANE Select); coding-DNA position 1499, G replaced by A.
Protein change: p.Gly500Asp; replaces glycine 500 with aspartic acid.
Molecular consequence: missense variant.
Genome position (GRCh38, 1-based): chr13:32,332,977, G>A. VCF-style: chr13-32332977-G-A. GRCh37 (hg19) VCF-style: chr13-32907114-G-A.
Other names: short protein forms G500D.
Identifiers: ClinVar variation 943149 (VCV000943149.13), dbSNP rs1064795525, ClinGen allele CA387764482.
Genomic context (GRCh38, chr13:32,332,977, plus strand): 5'-GCATTCTTGCAGTAAAGCAGGCAATATCTGGAACTTCTCCAGTGGCTTCTTCATTTCAGG[G>A]TATCAAAAAGTCTATATTCAGAATAAGAGAATCACCTAAAGAGACTTTCAATGCAAGTTT-3'
Protein context (NP_000050.3, residues 490-510): GTSPVASSFQ[Gly500Asp]IKKSIFRIRE